The following is an entry in ClinVar:

ClinVar aggregate classification (germline): Conflicting classifications of pathogenicity. Review status: criteria provided, conflicting classifications (1 of 4 stars). 2 submissions from 2 submitters: Uncertain significance (1); Likely benign (1). Last evaluated 2022-08-13.

Conditions:
Shprintzen-Goldberg syndrome (SGS). Also called: CRANIOSYNOSTOSIS WITH ARACHNODACTYLY AND ABDOMINAL HERNIAS; Marfanoid disorder with craniosynostosis type 1; Marfanoid craniosynostosis syndrome; Shprintzen-Goldberg marfanoid syndrome; SHPRINTZEN-GOLDBERG CRANIOSYNOSTOSIS SYNDROME. Identifiers: Orphanet 2462, MedGen C1321551, MONDO:0008426, OMIM 182212.

Submissions (2):

Labcorp Genetics (formerly Invitae), Labcorp
Classification: Uncertain significance for Shprintzen-Goldberg syndrome. Last evaluated: 2022-08-13. Review status: criteria provided, single submitter. Criteria: Invitae Variant Classification Sherloc (09022015). Collection method: clinical testing. Allele origin: germline.
Comment: In summary, the available evidence is currently insufficient to determine the role of this variant in disease. Therefore, it has been classified as a Variant of Uncertain Significance. Advanced modeling of protein sequence and biophysical properties (such as structural, functional, and spatial information, amino acid conservation, physicochemical variation, residue mobility, and thermodynamic stability) performed at Invitae indicates that this missense variant is not expected to disrupt SKI protein function. ClinVar contains an entry for this variant (Variation ID: 213680). This variant has not been reported in the literature in individuals affected with SKI-related conditions. This variant is not present in population databases (gnomAD no frequency). This sequence change replaces alanine, which is neutral and non-polar, with glycine, which is neutral and non-polar, at codon 718 of the SKI protein (p.Ala718Gly).

GeneDx
Classification: Likely benign. Last evaluated: 2014-08-11. Review status: criteria provided, single submitter. Criteria: GeneDx Variant Classification (06012015). Collection method: clinical testing. Allele origin: germline. Affected: yes.
Comment: This variant is considered likely benign or benign based on one or more of the following criteria: it is a conservative change, it occurs at a poorly conserved position in the protein, it is predicted to be benign by multiple in silico algorithms, and/or has population frequency not consistent with disease.

NM_003036.4(SKI):c.2153C>G (p.Ala718Gly)

Gene: SKI (SKI proto-oncogene; plus strand). Cytogenetic location: 1p36.32.
Variant type: single nucleotide variant.
Coding change: c.2153C>G on transcript NM_003036.4 (MANE Select); coding-DNA position 2153, C replaced by G.
Protein change: p.Ala718Gly; replaces alanine 718 with glycine.
Molecular consequence: missense variant.
Genome position (GRCh38, 1-based): chr1:2,306,731, C>G. VCF-style: chr1-2306731-C-G. GRCh37 (hg19) VCF-style: chr1-2238170-C-G.
Other names: p.A718G:GCG>GGG; short protein forms A718G.
Identifiers: ClinVar variation 213680 (VCV000213680.6), dbSNP rs863223721, ClinGen allele CA324227.